The following is an entry in ClinVar:

NM_004304.5(ALK):c.2441G>T (p.Trp814Leu)

Gene: ALK (ALK receptor tyrosine kinase; minus strand). Cytogenetic location: 2p23.2.
Variant type: single nucleotide variant.
Coding change: c.2441G>T on transcript NM_004304.5 (MANE Select); coding-DNA position 2441, G replaced by T.
Protein change: p.Trp814Leu; replaces tryptophan 814 with leucine.
Molecular consequence: missense variant.
Genome position (GRCh38, 1-based): chr2:29,233,611, C>A on the plus strand (G>T on the coding strand, the complement: ALK is on the minus strand). VCF-style: chr2-29233611-C-A. GRCh37 (hg19) VCF-style: chr2-29456477-C-A.
Other names: short protein forms W814L.
Identifiers: ClinVar variation 4666360 (VCV004666360.1).
Genomic context (GRCh38, chr2:29,233,611, plus strand): 5'-AGCACACACCATACCTTAAATACGTAGGTGGCTCCACCCCCTCCTCCTCCGCCTCCTGCC[C>A]ACTCATGCACGCTTCTGTTCACACGGATTTCTTCTTCTATCACATTGTTCTCTCCAATGC-3'
Protein context (NP_004295.2, residues 804-824): EIRVNRSVHE[Trp814Leu]AGGGGGGGGA

ClinVar aggregate classification (germline): Uncertain significance (1 of 4 stars; one submission).

Conditions:
Hereditary cancer-predisposing syndrome. Also called: Neoplastic Syndromes, Hereditary; Tumor predisposition; Hereditary Cancer Syndrome; Hereditary neoplastic syndrome. Identifiers: Orphanet 140162, MedGen C0027672, MeSH D009386, MONDO:0015356.

gnomAD v4.1: 8 of 1,614,218 alleles (0.0005%); highest among the groups gnomAD compares: Non-Finnish European, 0.00068%; no homozygotes.

Submission:

Ambry Genetics
Classification: Uncertain significance for Hereditary cancer-predisposing syndrome. Last evaluated: 2025-10-17. Review status: criteria provided, single submitter. Criteria: Ambry Variant Classification Scheme 2023. Collection method: clinical testing. Allele origin: germline.
Comment: The p.W814L variant (also known as c.2441G>T), located in coding exon 14 of the ALK gene, results from a G to T substitution at nucleotide position 2441. The tryptophan at codon 814 is replaced by leucine, an amino acid with similar properties. This amino acid position is conserved. In addition, the in silico prediction for this alteration is inconclusive. Based on the available evidence, the clinical significance of this variant remains unclear.